The following is an entry in ClinVar:

NM_003334.4(UBA1):c.2982G>T (p.Val994=)

Gene: UBA1 (ubiquitin like modifier activating enzyme 1; plus strand). Cytogenetic location: Xp11.3.
Variant type: single nucleotide variant.
Coding change: c.2982G>T on transcript NM_003334.4 (MANE Select); coding-DNA position 2982, G replaced by T.
Protein change: p.Val994=; no amino-acid change (valine 994 retained).
Molecular consequence: synonymous variant.
Genome position (GRCh38, 1-based): chrX:47,214,578, G>T. VCF-style: chrX-47214578-G-T. GRCh37 (hg19) VCF-style: chrX-47073977-G-T.
Other names: c.2982G>T, p.Val994= (NM_153280.3).
Identifiers: ClinVar variation 740937 (VCV000740937.35), dbSNP rs782156608, ClinGen allele CA10396247.

ClinVar aggregate classification (germline): Benign/Likely benign. Review status: criteria provided, multiple submitters, no conflicts (2 of 4 stars). 3 submissions from 3 submitters: Benign (1); Likely benign (1). 1 of the submissions does not count toward it. Last evaluated 2024-02-03.

Conditions:
Infantile-onset X-linked spinal muscular atrophy. Also called: ARTHROGRYPOSIS, X-LINKED, TYPE I; SPINAL MUSCULAR ATROPHY, X-LINKED LETHAL INFANTILE; AMC, DISTAL, X-LINKED; Spinal muscular atrophy, X-linked 2; Spinal Muscular Atrophy, X-Linked Infantile. Identifiers: Orphanet 1145, MedGen C1844934, MONDO:0010532, OMIM 301830.
UBA1-related disorder. Also called: UBA1-related condition.

Allele frequency attached by ClinVar (database versions not stated): TOPMed 0.00002; gnomAD 0.00003 and 0.00005; gnomAD exomes 0.00007 and 0.00012; ExAC 0.00012.
gnomAD v4.1: 79 of 1,209,360 alleles (0.0065%); highest among the groups gnomAD compares: South Asian, 0.11%; 1 homozygote.

Submissions (3):

Labcorp Genetics (formerly Invitae), Labcorp
Classification: Benign for Infantile-onset X-linked spinal muscular atrophy. Last evaluated: 2024-02-03. Review status: criteria provided, single submitter. Criteria: Invitae Variant Classification Sherloc (09022015). Collection method: clinical testing. Allele origin: germline.

CeGaT Center for Human Genetics Tuebingen
Classification: Likely benign. Last evaluated: 2022-09-01. Review status: criteria provided, single submitter. Criteria: CeGaT Center For Human Genetics Tuebingen Variant Classification Criteria Version 2. Collection method: clinical testing. Allele origin: germline. Affected: yes. Observed: 1 variant allele.
Comment: UBA1: BP4, BP7

PreventionGenetics, part of Exact Sciences
Classification: Likely benign for UBA1-related condition. Last evaluated: 2019-02-22. Review status: no assertion criteria provided. Collection method: clinical testing. Allele origin: germline. Not counted in ClinVar's aggregate classification.
Comment: This variant is classified as likely benign based on ACMG/AMP sequence variant interpretation guidelines (Richards et al. 2015 PMID: 25741868, with internal and published modifications).